The following is an entry in ClinVar:

ClinVar aggregate classification (germline): Uncertain significance (1 of 4 stars; one submission).

Conditions:
Tuberous sclerosis 2 (TSC2). Identifiers: Orphanet 805, MedGen C1860707, MONDO:0013199, OMIM 613254.

Allele frequency attached by ClinVar (database versions not stated): TOPMed 0.00001.

Submission:

Labcorp Genetics (formerly Invitae), Labcorp
Classification: Uncertain significance for Tuberous sclerosis 2. Last evaluated: 2024-10-30. Review status: criteria provided, single submitter. Criteria: Invitae Variant Classification Sherloc (09022015). Collection method: clinical testing. Allele origin: germline.
Comment: This sequence change replaces valine, which is neutral and non-polar, with methionine, which is neutral and non-polar, at codon 391 of the TSC2 protein (p.Val391Met). This variant is not present in population databases (gnomAD no frequency). This variant has not been reported in the literature in individuals affected with TSC2-related conditions. ClinVar contains an entry for this variant (Variation ID: 467846). Invitae Evidence Modeling of protein sequence and biophysical properties (such as structural, functional, and spatial information, amino acid conservation, physicochemical variation, residue mobility, and thermodynamic stability) indicates that this missense variant is not expected to disrupt TSC2 protein function with a negative predictive value of 95%. In summary, the available evidence is currently insufficient to determine the role of this variant in disease. Therefore, it has been classified as a Variant of Uncertain Significance.

NM_000548.5(TSC2):c.1171G>A (p.Val391Met)

Gene: TSC2 (TSC complex subunit 2; plus strand). Cytogenetic location: 16p13.3.
Variant type: single nucleotide variant.
Coding change: c.1171G>A on transcript NM_000548.5 (MANE Select); coding-DNA position 1171, G replaced by A.
Protein change: p.Val391Met; replaces valine 391 with methionine.
Molecular consequence: missense variant.
Genome position (GRCh38, 1-based): chr16:2,061,922, G>A. VCF-style: chr16-2061922-G-A. GRCh37 (hg19) VCF-style: chr16-2111923-G-A.
Other names: c.1171G>A, p.Val391Met (NM_021055.3, NM_001363528.2, NM_001370404.1 and 3 more transcripts); c.571G>A, p.Val191Met (NM_001318831.2); c.1204G>A, p.Val402Met (NM_001318832.2); c.1060G>A, p.Val354Met (NM_001318827.2); c.1024G>A, p.Val342Met (NM_001318829.2); short protein forms V391M, V191M, V354M, V402M, V342M.
Identifiers: ClinVar variation 467846 (VCV000467846.8), dbSNP rs1555501071, ClinGen allele CA394320318.